The following is an entry in ClinVar:

NM_000051.4(ATM):c.6347+2del

Genes: ATM (ATM serine/threonine kinase; plus strand), C11orf65 (chromosome 11 open reading frame 65; minus strand). Cytogenetic location: 11q22.3.
Variant type: Deletion.
Coding change: c.6347+2del on transcript NM_000051.4 (MANE Select); the canonical splice donor site of the intron after coding-DNA position 6347, one base deleted (T; older notation c.6347+2delT).
Molecular consequence: splice donor variant. On other transcripts: intron variant (2).
Genome position (GRCh38, 1-based): chr11:108,317,523, T deleted. VCF-style (leftmost placement, unchanged base first): chr11-108317522-GT-G. GRCh37 (hg19) VCF-style: chr11-108188249-GT-G.
Other names: c.6347+2del (NM_001351834.2); c.641-8452del (NM_001330368.2); c.*39-8452del (NM_001351110.2).
Identifiers: ClinVar variation 4169959 (VCV004169959.1).
Genomic context (GRCh38, chr11:108,317,522, plus strand): 5'-AGAACTTCATTACCAAGCAGCATGGAGGAATATGCAGTGGGACCATTGCACTTCCGTCAG[GT>G]AAGAAATTTGACTTGATTTTTTTTTTTTTGCCTCTCTCCTCATTCTAAACAACAACTGTT-3'

ClinVar aggregate classification (germline): Likely pathogenic (1 of 4 stars; one submission).

Conditions:
Hereditary cancer-predisposing syndrome. Also called: Neoplastic Syndromes, Hereditary; Tumor predisposition; Hereditary neoplastic syndrome; Hereditary Cancer Syndrome. Identifiers: Orphanet 140162, MedGen C0027672, MeSH D009386, MONDO:0015356.

Submission:

Ambry Genetics
Classification: Likely pathogenic for Hereditary cancer-predisposing syndrome. Last evaluated: 2025-08-19. Review status: criteria provided, single submitter. Criteria: Ambry Variant Classification Scheme 2023. Collection method: clinical testing. Allele origin: germline.
Comment: The c.6347+2delT intronic variant results from a deletion two nucleotides after coding exon 42 of the ATM gene. This variant is considered to be rare based on population cohorts in the Genome Aggregation Database (gnomAD). This nucleotide position is highly conserved in available vertebrate species. In silico splice site analysis predicts that this alteration will weaken the native splice donor site. Alterations that disrupt the canonical splice site are expected to cause aberrant splicing, resulting in an abnormal protein or a transcript that is subject to nonsense-mediated mRNA decay. As such, this alteration is classified as likely pathogenic.